The following is an entry in ClinVar:

NM_130384.3(ATRIP):c.1189G>T (p.Asp397Tyr)

Genes: ATRIP (ATR interacting protein; plus strand), ATRIP-TREX1 (ATRIP-TREX1 readthrough; plus strand). Cytogenetic location: 3p21.31.
Variant type: single nucleotide variant.
Coding change: c.1189G>T on transcript NM_130384.3 (MANE Select); coding-DNA position 1189, G replaced by T.
Protein change: p.Asp397Tyr; replaces aspartic acid 397 with tyrosine.
Molecular consequence: missense variant. On other transcripts: non-coding transcript variant (1).
Genome position (GRCh38, 1-based): chr3:48,460,243, G>T. VCF-style: chr3-48460243-G-T. GRCh37 (hg19) VCF-style: chr3-48501642-G-T.
Other names: c.808G>T, p.Asp270Tyr (NM_001271022.2); c.910G>T, p.Asp304Tyr (NM_001271023.2); c.1189G>T, p.Asp397Tyr (NM_032166.4); short protein forms D304Y, D397Y, D270Y.
Identifiers: ClinVar variation 3975750 (VCV003975750.1).

ClinVar aggregate classification (germline): Uncertain significance (1 of 4 stars; one submission).

Submission:

Ambry Genetics
Classification: Uncertain significance. Last evaluated: 2025-03-25. Review status: criteria provided, single submitter. Criteria: Ambry Variant Classification Scheme 2023. Collection method: clinical testing. Allele origin: germline.
Comment: The p.D397Y variant (also known as c.1189G>T), located in coding exon 8 of the ATRIP gene, results from a G to T substitution at nucleotide position 1189. The aspartic acid at codon 397 is replaced by tyrosine, an amino acid with highly dissimilar properties. This amino acid position is conserved. In addition, the in silico prediction for this alteration is inconclusive. Based on the available evidence, the clinical significance of this variant remains unclear.